The following is an entry in ClinVar:

NM_058195.4(CDKN2A):c.194-3646_194-3624del

Genes: CDKN2A (cyclin dependent kinase inhibitor 2A; minus strand), LOC130001603 (ATAC-STARR-seq lymphoblastoid silent region 19811; plus strand). Cytogenetic location: 9p21.3.
Variant type: Deletion.
Coding change: c.194-3646_194-3624del on transcript NM_058195.4 (MANE Plus Clinical); 3646 bases into the intron before coding-DNA position 194 through 3624 bases into the intron before coding-DNA position 194, 23 bases deleted (AGCAGGCAGCGGGCGGCGGGGAG).
Molecular consequence: intron variant. On other transcripts: genic upstream transcript variant (1).
Genome position (GRCh38, 1-based): chr9:21,974,832-21,974,854, CTCCCCGCCGCCCGCTGCCTGCT deleted on the plus strand (AGCAGGCAGCGGGCGGCGGGGAG on the coding strand, the reverse complement: CDKN2A is on the minus strand); deleting any 23 consecutive bases within chr9:21,974,832-21,974,860 gives the same sequence; the c. name uses the placement nearest the transcript's 3' end. VCF-style (leftmost placement, unchanged base first): chr9-21974831-GCTCCCCGCCGCCCGCTGCCTGCT-G. GRCh37 (hg19) VCF-style: chr9-21974830-GCTCCCCGCCGCCCGCTGCCTGCT-G.
Other names: c.-27_-5del (NM_000077.5); c.-33_-11del23 (NM_000077.6); c.-3-3646_-3-3624del (NM_001363763.2).
Identifiers: ClinVar variation 630615 (VCV000630615.9), dbSNP rs757137815, ClinGen allele CA5012343.

ClinVar aggregate classification (germline): Uncertain significance. Review status: criteria provided, multiple submitters, no conflicts (2 of 4 stars). 4 submissions from 4 submitters: Uncertain significance (4). Last evaluated 2024-02-15.

Conditions:
Melanoma-pancreatic cancer syndrome. Identifiers: Orphanet 404560, MedGen C1838547, MONDO:0011713, OMIM 606719. Disease mechanism: loss of function.
Melanoma, cutaneous malignant, susceptibility to, 2 (CMM2). Also called: Cutaneous malignant melanoma 2; CDKN2A-Related Cutaneous Malignant Melanoma. Identifiers: Orphanet 618, MedGen C1835044, MONDO:0007964, OMIM 155601.
Melanoma and neural system tumor syndrome. Also called: MELANOMA-ASTROCYTOMA SYNDROME. Identifiers: Orphanet 252206, MedGen C1835042, MONDO:0007967, OMIM 155755.
Hereditary cancer-predisposing syndrome. Also called: Tumor predisposition; Neoplastic Syndromes, Hereditary; Hereditary Cancer Syndrome; Hereditary neoplastic syndrome. Identifiers: Orphanet 140162, MedGen C0027672, MeSH D009386, MONDO:0015356.

Submissions (4):

GeneDx
Classification: Uncertain significance. Last evaluated: 2024-02-15. Review status: criteria provided, single submitter. Criteria: GeneDx Variant Classification Process June 2021. Collection method: clinical testing. Allele origin: germline. Affected: yes.
Comment: Not observed at significant frequency in large population cohorts (gnomAD); Published functional studies suggest a damaging effect: reduced mRNA stability and protein expression (PMID: 26581427); Identified in individuals with personal and family history of melanoma and/or pancreatic cancer (PMID: 26581427); This variant is associated with the following publications: (PMID: 26581427)

Fulgent Genetics
Classification: Uncertain significance for Melanoma, cutaneous malignant, susceptibility to, 2; Melanoma and neural system tumor syndrome; Melanoma-pancreatic cancer syndrome. Last evaluated: 2024-01-19. Review status: criteria provided, single submitter. Criteria: ACMG Guidelines, 2015. Collection method: clinical testing. Allele origin: germline.

Baylor Genetics
Classification: Uncertain significance for Melanoma and neural system tumor syndrome. Last evaluated: 2023-10-25. Review status: criteria provided, single submitter. Criteria: ACMG Guidelines, 2015. Collection method: clinical testing. Allele origin: unknown.

Color Diagnostics, LLC DBA Color Health
Classification: Uncertain significance for Hereditary cancer-predisposing syndrome. Last evaluated: 2021-07-16. Review status: criteria provided, single submitter. Criteria: ACMG Guidelines, 2015. Collection method: clinical testing. Allele origin: germline.
Comment: This variant is a 23 nucleotide deletion in intron 1 of the CDKN2A (p16INK4A) gene. To our knowledge, functional studies have not been reported for this variant. This variant has not been reported in individuals affected with hereditary cancer in the literature. This variant has been identified in 1/200024 chromosomes in the general population by the Genome Aggregation Database (gnomAD). The available evidence is insufficient to determine the role of this variant in disease conclusively. Therefore, this variant is classified as a Variant of Uncertain Significance.